The following is an entry in ClinVar:

ClinVar aggregate classification (germline): Uncertain significance (1 of 4 stars; one submission).

Allele frequency attached by ClinVar (database versions not stated): gnomAD exomes below 0.00001.
gnomAD v4.1: 3 of 1,614,212 alleles (0.00019%); highest among the groups gnomAD compares: South Asian, 0.0033%; no homozygotes.

Submission:

Labcorp Genetics (formerly Invitae), Labcorp
Classification: Uncertain significance. Last evaluated: 2023-04-10. Review status: criteria provided, single submitter. Criteria: Invitae Variant Classification Sherloc (09022015). Collection method: clinical testing. Allele origin: germline.
Comment: In summary, the available evidence is currently insufficient to determine the role of this variant in disease. Therefore, it has been classified as a Variant of Uncertain Significance. Advanced modeling of protein sequence and biophysical properties (such as structural, functional, and spatial information, amino acid conservation, physicochemical variation, residue mobility, and thermodynamic stability) performed at Invitae indicates that this missense variant is not expected to disrupt PDZD7 protein function. ClinVar contains an entry for this variant (Variation ID: 1038961). This variant has not been reported in the literature in individuals affected with PDZD7-related conditions. This variant is not present in population databases (gnomAD no frequency). This sequence change replaces isoleucine, which is neutral and non-polar, with methionine, which is neutral and non-polar, at codon 505 of the PDZD7 protein (p.Ile505Met).

NM_001195263.2(PDZD7):c.1515A>G (p.Ile505Met)

Gene: PDZD7 (PDZ domain containing 7; minus strand). Cytogenetic location: 10q24.31.
Variant type: single nucleotide variant.
Coding change: c.1515A>G on transcript NM_001195263.2 (MANE Select); coding-DNA position 1515, A replaced by G.
Protein change: p.Ile505Met; replaces isoleucine 505 with methionine.
Molecular consequence: missense variant.
Genome position (GRCh38, 1-based): chr10:101,018,106, T>C on the plus strand (A>G on the coding strand, the complement: PDZD7 is on the minus strand). VCF-style: chr10-101018106-T-C. GRCh37 (hg19) VCF-style: chr10-102777863-T-C.
Other names: c.1543A>G, p.Arg515Gly (NM_001351044.2); c.1515A>G, p.Ile505Met (NM_024895.5); short protein forms R515G, I505M.
Identifiers: ClinVar variation 1038961 (VCV001038961.10), dbSNP rs1852803254, ClinGen allele CA378227897.
Genomic context (GRCh38, chr10:101,018,106, plus strand): 5'-CCGAAGCTAGTGGACTTCACTTTGCCTTCCTGTTTGATCAGCCCACTACTTACCTTTCTC[T>C]ATGTCCAGGCGAGGGTAAGTTTTGGCCAGGCTCCCGCTGTCCAGTGTCCAGGCCTCTCTG-3'
Protein context (NP_001182192.1, residues 495-515): SLAKTYPRLD[Ile505Met]EKAGGVGPVQ